The following is an entry in ClinVar:

ClinVar aggregate classification (germline): Uncertain significance. Review status: criteria provided, multiple submitters, no conflicts (2 of 4 stars). 2 submissions from 2 submitters: Uncertain significance (2). Last evaluated 2025-04-07.

Conditions:
Cardiovascular phenotype. Identifiers: MedGen CN230736.

Allele frequency attached by ClinVar (database versions not stated): gnomAD exomes 0.00001; TOPMed 0.00002; gnomAD 0.00003 and 0.00004.
gnomAD v4.1: 17 of 1,613,844 alleles (0.0011%); highest among the groups gnomAD compares: East Asian, 0.0022%; no homozygotes.

Submissions (2):

Ambry Genetics
Classification: Uncertain significance for Cardiovascular phenotype. Last evaluated: 2025-04-07. Review status: criteria provided, single submitter. Criteria: Ambry Variant Classification Scheme 2023. Collection method: clinical testing. Allele origin: germline.
Comment: The p.R233C variant (also known as c.697C>T), located in coding exon 7 of the APOB gene, results from a C to T substitution at nucleotide position 697. The arginine at codon 233 is replaced by cysteine, an amino acid with highly dissimilar properties. This amino acid position is conserved. In addition, this alteration is predicted to be tolerated by in silico analysis. Based on the available evidence, the clinical significance of this variant remains unclear.

Molecular Diagnostic Laboratory for Inherited Cardiovascular Disease, Montreal Heart Institute
Classification: Uncertain significance. Last evaluated: 2019-02-26. Review status: criteria provided, single submitter. Criteria: ACMG Guidelines, 2015. Collection method: clinical testing. Allele origin: germline. Affected: yes.

NM_000384.3(APOB):c.697C>T (p.Arg233Cys)

Gene: APOB (apolipoprotein B; minus strand). Cytogenetic location: 2p24.1.
Variant type: single nucleotide variant.
Coding change: c.697C>T on transcript NM_000384.3 (MANE Select); coding-DNA position 697, C replaced by T.
Protein change: p.Arg233Cys; replaces arginine 233 with cysteine.
Molecular consequence: missense variant.
Genome position (GRCh38, 1-based): chr2:21,035,705, G>A on the plus strand (C>T on the coding strand, the complement: APOB is on the minus strand). VCF-style: chr2-21035705-G-A. GRCh37 (hg19) VCF-style: chr2-21258577-G-A.
Other names: short protein forms R233C.
Identifiers: ClinVar variation 978323 (VCV000978323.5), dbSNP rs1470195999, ClinGen allele CA345961268.
Genomic context (GRCh38, chr2:21,035,705, plus strand): 5'-TCTTAGCGTCCAGTGTGTACTGACAGGACTGGCTGCTGCTGATCAGAGTTGACAAGGGGC[G>A]GGTCTATGAAAGAGATTGGAGACGAGCATTTTGATCAGTCCCTGTATCTTCTGTTAAAAG-3'
Protein context (NP_000375.3, residues 223-243): SPLALIKGMT[Arg233Cys]PLSTLISSSQ